The following is an entry in ClinVar:

ClinVar aggregate classification (germline): Uncertain significance (1 of 4 stars; one submission).

Conditions:
ALMS1-related disorder. Also called: ALMS1-related condition.

Submission:

PreventionGenetics, part of Exact Sciences
Classification: Uncertain significance for ALMS1-related condition. Last evaluated: 2023-08-11. Review status: criteria provided, single submitter. Criteria: ACMG Guidelines, 2015. Collection method: clinical testing. Allele origin: germline.
Comment: The ALMS1 c.3836C>G variant is predicted to result in the amino acid substitution p.Ala1279Gly. To our knowledge, this variant has not been reported in the literature. This variant is reported in 0.017% of alleles in individuals of African descent in gnomAD. At this time, the clinical significance of this variant is uncertain due to the absence of conclusive functional and genetic evidence.

NM_001378454.1(ALMS1):c.3833C>G (p.Thr1278Arg)

Gene: ALMS1 (ALMS1 centrosome and basal body associated protein; plus strand). Cytogenetic location: 2p13.1.
Variant type: single nucleotide variant.
Coding change: c.3833C>G on transcript NM_001378454.1 (MANE Select); coding-DNA position 3833, C replaced by G.
Protein change: p.Thr1278Arg; replaces threonine 1278 with arginine.
Molecular consequence: missense variant.
Genome position (GRCh38, 1-based): chr2:73,450,360, C>G. VCF-style: chr2-73450360-C-G. GRCh37 (hg19) VCF-style: chr2-73677487-C-G.
Other names: c.3836C>G, p.Thr1279Arg (NM_015120.4); short protein forms T1278R, T1279R.
Identifiers: ClinVar variation 2628936 (VCV002628936.1), dbSNP rs1292358818, ClinGen allele CA347276873.
Genomic context (GRCh38, chr2:73,450,360, plus strand): 5'-CAACTGAAGAGGCTCTGAAAATTTCAGTTGCCTCTGAACCAGTTGACCAGACAACTGGCA[C>G]ACCAGCTGTAACCTCTACTTCCTACTCACAATATAGAGAGAAGCCCAGCATTTTCTACCA-3'
Protein context (NP_001365383.1, residues 1268-1288): ASEPVDQTTG[Thr1278Arg]PAVTSTSYSQ